The following is an entry in ClinVar:

ClinVar aggregate classification (germline): Pathogenic. Review status: criteria provided, single submitter (1 of 4 stars). 2 submissions from 2 submitters: Pathogenic (1). 1 of the submissions does not count toward it. Last evaluated 2023-08-17.

Conditions:
Ornithine carbamoyltransferase deficiency (OTCD). Also called: OTC DEFICIENCY; Ornithine Carbamoyltransferase Deficiency Disease; ORNITHINE TRANSCARBAMYLASE DEFICIENCY; ORNITHINE TRANSCARBAMYLASE DEFICIENCY, HYPERAMMONEMIA DUE TO. Identifiers: Orphanet 664, MedGen C0268542, MONDO:0010703, OMIM 311250.

Submissions (2):

Labcorp Genetics (formerly Invitae), Labcorp
Classification: Pathogenic for Ornithine carbamoyltransferase deficiency. Last evaluated: 2023-08-17. Review status: criteria provided, single submitter. Criteria: Invitae Variant Classification Sherloc (09022015). Collection method: clinical testing. Allele origin: germline.
Comment: This variant is not present in population databases (gnomAD no frequency). This missense change has been observed in individuals with ornithine transcarbamylase deficiency (PMID: 34014569; Invitae). ClinVar contains an entry for this variant (Variation ID: 870314). Advanced modeling of protein sequence and biophysical properties (such as structural, functional, and spatial information, amino acid conservation, physicochemical variation, residue mobility, and thermodynamic stability) performed at Invitae indicates that this missense variant is expected to disrupt OTC protein function. This variant disrupts the p.Ala218 amino acid residue in OTC. Other variant(s) that disrupt this residue have been observed in individuals with OTC-related conditions (PMID: 14976564, 19138872), which suggests that this may be a clinically significant amino acid residue. For these reasons, this variant has been classified as Pathogenic. This sequence change replaces alanine, which is neutral and non-polar, with proline, which is neutral and non-polar, at codon 218 of the OTC protein (p.Ala218Pro).

Molecular Genetics laboratory, Necker Hospital
Classification: Pathogenic for Ornithine carbamoyltransferase deficiency. Review status: no assertion criteria provided. Collection method: clinical testing. Allele origin: maternal. Inheritance: X-linked inheritance. Affected: yes. Not counted in ClinVar's aggregate classification.

Literature cited by the submitters: PubMed 34014569 (cited by Labcorp Genetics (formerly Invitae), Labcorp); PubMed 14976564 (cited by Labcorp Genetics (formerly Invitae), Labcorp); PubMed 19138872 (cited by Labcorp Genetics (formerly Invitae), Labcorp).

NM_000531.6(OTC):c.652G>C (p.Ala218Pro)

Gene: OTC (ornithine transcarbamylase; plus strand). Cytogenetic location: Xp11.4.
Variant type: single nucleotide variant.
Coding change: c.652G>C on transcript NM_000531.6 (MANE Select); coding-DNA position 652, G replaced by C.
Protein change: p.Ala218Pro; replaces alanine 218 with proline.
Molecular consequence: missense variant.
Genome position (GRCh38, 1-based): chrX:38,403,729, G>C. VCF-style: chrX-38403729-G-C. GRCh37 (hg19) VCF-style: chrX-38262982-G-C.
Other names: short protein forms A218P.
Identifiers: ClinVar variation 870314 (VCV000870314.11), dbSNP rs2068502738, ClinGen allele CA412725988.